The following is an entry in ClinVar:

ClinVar aggregate classification (germline): Uncertain significance. Review status: criteria provided, multiple submitters, no conflicts (2 of 4 stars). 2 submissions from 2 submitters: Uncertain significance (2). Last evaluated 2025-10-25.

Conditions:
Erythrocytosis, familial, 3 (ECYT3). Identifiers: Orphanet 247511, MedGen C1853286, MONDO:0012353, OMIM 609820.

gnomAD v4.1: 1 of 1,301,426 alleles (0.000077%); highest among the groups gnomAD compares: East Asian, 0.0032%; no homozygotes.

Submissions (2):

Ambry Genetics
Classification: Uncertain significance. Last evaluated: 2025-10-25. Review status: criteria provided, single submitter. Criteria: Ambry Variant Classification Scheme 2023. Collection method: clinical testing. Allele origin: germline.
Comment: The p.A121P variant (also known as c.361G>C), located in coding exon 1 of the EGLN1 gene, results from a G to C substitution at nucleotide position 361. The alanine at codon 121 is replaced by proline, an amino acid with highly similar properties. This amino acid position is conserved. In addition, this alteration is predicted to be tolerated by in silico analysis. Based on the available evidence, the clinical significance of this variant remains unclear.

Labcorp Genetics (formerly Invitae), Labcorp
Classification: Uncertain significance for Erythrocytosis, familial, 3. Last evaluated: 2025-10-07. Review status: criteria provided, single submitter. Criteria: Invitae Variant Classification Sherloc (09022015). Collection method: clinical testing. Allele origin: germline.
Comment: This sequence change replaces alanine, which is neutral and non-polar, with proline, which is neutral and non-polar, at codon 121 of the EGLN1 protein (p.Ala121Pro). This variant is not present in population databases (gnomAD no frequency). This variant has not been reported in the literature in individuals affected with EGLN1-related conditions. An algorithm developed to predict the effect of missense changes on protein structure and function (PolyPhen-2) suggests that this variant is likely to be disruptive. In summary, the available evidence is currently insufficient to determine the role of this variant in disease. Therefore, it has been classified as a Variant of Uncertain Significance.

NM_022051.3(EGLN1):c.361G>C (p.Ala121Pro)

Gene: EGLN1 (egl-9 family hypoxia inducible factor 1; minus strand). Cytogenetic location: 1q42.2.
Variant type: single nucleotide variant.
Coding change: c.361G>C on transcript NM_022051.3 (MANE Select); coding-DNA position 361, G replaced by C.
Protein change: p.Ala121Pro; replaces alanine 121 with proline.
Molecular consequence: missense variant.
Genome position (GRCh38, 1-based): chr1:231,421,528, C>G on the plus strand (G>C on the coding strand, the complement: EGLN1 is on the minus strand). VCF-style: chr1-231421528-C-G. GRCh37 (hg19) VCF-style: chr1-231557274-C-G.
Other names: c.361G>C, p.Ala121Pro (NM_001377260.1, NM_001377261.1); short protein forms A121P.
Identifiers: ClinVar variation 4663409 (VCV004663409.2).
Genomic context (GRCh38, chr1:231,421,528, plus strand): 5'-CGGCAGCCACCGCCGAGCCCTGGCCGCCGGCGGCCGCACGACACGGCGACGCGGCCGCCG[C>G]TGGGTCGGCCGGGGGCTTGGCCTTTACTTTTCCCTTGGCCGCGTCCCCGGAGGCGTTGTC-3'
Protein context (NP_071334.1, residues 111-131): KVKAKPPADP[Ala121Pro]AAASPCRAAA